The following is an entry in ClinVar:

ClinVar aggregate classification (germline): Likely benign. Review status: criteria provided, single submitter (1 of 4 stars). 2 submissions from 2 submitters: Likely benign (1). 1 of the submissions does not count toward it. Last evaluated 2024-11-26.

Conditions:
ATXN1-related disorder. Also called: ATXN1-related condition.

Submissions (2):

Blueprint Genetics
Classification: Likely benign. Last evaluated: 2024-11-26. Review status: criteria provided, single submitter. Criteria: ACMG Guidelines, 2015. Collection method: clinical testing. Allele origin: germline.

PreventionGenetics, part of Exact Sciences
Classification: Likely benign for ATXN1-related condition. Last evaluated: 2020-03-11. Review status: no assertion criteria provided. Collection method: clinical testing. Allele origin: germline. Not counted in ClinVar's aggregate classification.
Comment: This variant is classified as likely benign based on ACMG/AMP sequence variant interpretation guidelines (Richards et al. 2015 PMID: 25741868, with internal and published modifications).

NM_001128164.2(ATXN1):c.588GCA[16] (p.Gln208_His209insGlnGlnGln)

Genes: ATXN1 (ataxin 1; minus strand), LOC108663993 (ataxin 1 repeat instability region; plus strand). Cytogenetic location: 6p22.3.
Variant type: Microsatellite.
Coding change: c.588GCA[16] on transcript NM_001128164.2 (MANE Select); 16 copies in a row of the 3-base unit GCA starting at c.588; the reference has 13 copies in a row; three copies, 9 bases duplicated.
Protein change: p.Gln208_His209insGlnGlnGln.
Molecular consequence: inframe indel (on NM_000332.3). On other transcripts: no sequence alteration (1).
Genome position (GRCh38, 1-based): chr6:16,327,685-16,327,693, TGCTGCTGC duplicated on the plus strand (GCAGCAGCA on the coding strand, the reverse complement: ATXN1 is on the minus strand); duplicating any 9 consecutive bases within chr6:16,327,685-16,327,724 gives the same sequence; the position shown is the placement nearest the transcript's 3' end. VCF-style (leftmost placement, unchanged base first): chr6-16327684-A-ATGCTGCTGC. GRCh37 (hg19) VCF-style: chr6-16327915-A-ATGCTGCTGC.
Other names: c.618_626dup9 (NM_000332.3); c.587_589AGC[16], p.Gln208_His209insGlnGlnGln (NM_000332.3); c.588GCA[16], p.Gln208_His209insGlnGlnGln (NM_000332.4); c.*1GCA[16], p.Ter186= (NM_001357857.2).
Identifiers: ClinVar variation 3059363 (VCV003059363.3), dbSNP rs193922926, ClinGen allele CA821899016.
Genomic context (GRCh38, chr6:16,327,684, plus strand): 5'-CCTGCTGAGGTGCTGCTGCTGCTGCTGCTGCTGCTGCTGCTGCTGCTGCTGCTGATGCTG[A>ATGCTGCTGC]TGCTGCTGCTGCTGCTGCTGCTGCTGCTGCTGCTGCTGCTCAGCCTTGTGTCCCGGCGTC-3'